The following is an entry in ClinVar:

ClinVar aggregate classification (germline): Uncertain significance. Review status: criteria provided, multiple submitters, no conflicts (2 of 4 stars). 3 submissions from 3 submitters: Uncertain significance (3). Last evaluated 2024-03-19.

Conditions:
Inborn genetic diseases. Identifiers: MedGen C0950123, MeSH D030342.

Allele frequency attached by ClinVar (database versions not stated): ExAC 0.00002; gnomAD exomes 0.00002; gnomAD 0.00012 and 0.00013; TOPMed 0.00013; 1000 Genomes Project 30x 0.00016; 1000 Genomes Project 0.00020; ESP Exome Variant Server 0.00023.
gnomAD v4.1: 37 of 1,614,028 alleles (0.0023%); highest among the groups gnomAD compares: African/African-American, 0.043%; no homozygotes.

Submissions (3):

Ambry Genetics
Classification: Uncertain significance for Inborn genetic diseases. Last evaluated: 2024-03-19. Review status: criteria provided, single submitter. Criteria: Ambry Variant Classification Scheme 2023. Collection method: clinical testing. Allele origin: germline.

Labcorp Genetics (formerly Invitae), Labcorp
Classification: Uncertain significance. Last evaluated: 2024-02-23. Review status: criteria provided, single submitter. Criteria: Invitae Variant Classification Sherloc (09022015). Collection method: clinical testing. Allele origin: germline.
Comment: This sequence change replaces glycine, which is neutral and non-polar, with aspartic acid, which is acidic and polar, at codon 805 of the GRM6 protein (p.Gly805Asp). This variant is present in population databases (rs150794901, gnomAD 0.05%). This variant has not been reported in the literature in individuals affected with GRM6-related conditions. ClinVar contains an entry for this variant (Variation ID: 999372). Advanced modeling of protein sequence and biophysical properties (such as structural, functional, and spatial information, amino acid conservation, physicochemical variation, residue mobility, and thermodynamic stability) performed at Invitae indicates that this missense variant is expected to disrupt GRM6 protein function with a positive predictive value of 80%. In summary, the available evidence is currently insufficient to determine the role of this variant in disease. Therefore, it has been classified as a Variant of Uncertain Significance.

Blueprint Genetics
Classification: Uncertain significance. Last evaluated: 2021-02-09. Review status: criteria provided, single submitter. Criteria: ACMG Guidelines, 2015. Collection method: clinical testing. Allele origin: germline.

NM_000843.4(GRM6):c.2414G>A (p.Gly805Asp)

Genes: GRM6 (glutamate metabotropic receptor 6; minus strand), ZNF454 (zinc finger protein 454; plus strand). Cytogenetic location: 5q35.3.
Variant type: single nucleotide variant.
Coding change: c.2414G>A on transcript NM_000843.4 (MANE Select); coding-DNA position 2414, G replaced by A.
Protein change: p.Gly805Asp; replaces glycine 805 with aspartic acid.
Molecular consequence: missense variant.
Genome position (GRCh38, 1-based): chr5:178,982,932, C>T on the plus strand (G>A on the coding strand, the complement: GRM6 is on the minus strand). VCF-style: chr5-178982932-C-T. GRCh37 (hg19) VCF-style: chr5-178409933-C-T.
Other names: c.2414G>A (NM_000843.3); short protein forms G805D.
Identifiers: ClinVar variation 999372 (VCV000999372.8), dbSNP rs150794901, ClinGen allele CA3593554.